The following is an entry in ClinVar:

NM_000388.4(CASR):c.16T>G (p.Cys6Gly)

Gene: CASR (calcium sensing receptor; plus strand). Cytogenetic location: 3q21.1.
Variant type: single nucleotide variant.
Coding change: c.16T>G on transcript NM_000388.4 (MANE Select); coding-DNA position 16, T replaced by G.
Protein change: p.Cys6Gly; replaces cysteine 6 with glycine.
Molecular consequence: missense variant.
Genome position (GRCh38, 1-based): chr3:122,254,205, T>G. VCF-style: chr3-122254205-T-G. GRCh37 (hg19) VCF-style: chr3-121973052-T-G.
Other names: c.16T>G, p.Cys6Gly (NM_001178065.2); short protein forms C6G.
Identifiers: ClinVar variation 568920 (VCV000568920.12), dbSNP rs1559955229, ClinGen allele CA354361950.

ClinVar aggregate classification (germline): Uncertain significance. Review status: criteria provided, multiple submitters, no conflicts (2 of 4 stars). 2 submissions from 2 submitters: Uncertain significance (2). Last evaluated 2022-06-06.

Conditions:
Familial hypocalciuric hypercalcemia (FHH). Also called: Familial benign hypercalcemia. Identifiers: Orphanet 405, MedGen C1809471, MONDO:0018458.
Autosomal dominant hypocalcemia 1 (HYPOC1). Also called: HYPOCALCEMIA, FAMILIAL. Identifiers: MedGen C3715128, MONDO:0011013, OMIM 601198.
Nephrolithiasis/nephrocalcinosis. Identifiers: MedGen CN580796.

gnomAD v4.1: 3 of 1,613,218 alleles (0.00019%); highest among the groups gnomAD compares: Non-Finnish European, 0.00025%; no homozygotes.

Submissions (2):

Ambry Genetics
Classification: Uncertain significance for Nephrolithiasis/nephrocalcinosis. Last evaluated: 2022-06-06. Review status: criteria provided, single submitter. Criteria: Ambry Variant Classification Scheme 2023. Collection method: clinical testing. Allele origin: germline.
Comment: The p.C6G variant (also known as c.16T>G), located in coding exon 1 of the CASR gene, results from a T to G substitution at nucleotide position 16. The cysteine at codon 6 is replaced by glycine, an amino acid with highly dissimilar properties. This amino acid position is conserved. In addition, this alteration is predicted to be tolerated by in silico analysis. Since supporting evidence is limited at this time, the clinical significance of this alteration remains unclear.

Labcorp Genetics (formerly Invitae), Labcorp
Classification: Uncertain significance for Familial hypocalciuric hypercalcemia; Autosomal dominant hypocalcemia 1. Last evaluated: 2022-03-28. Review status: criteria provided, single submitter. Criteria: Invitae Variant Classification Sherloc (09022015). Collection method: clinical testing. Allele origin: germline.
Comment: In summary, the available evidence is currently insufficient to determine the role of this variant in disease. Therefore, it has been classified as a Variant of Uncertain Significance. Algorithms developed to predict the effect of missense changes on protein structure and function (SIFT, PolyPhen-2, Align-GVGD) all suggest that this variant is likely to be tolerated. ClinVar contains an entry for this variant (Variation ID: 568920). This variant has not been reported in the literature in individuals affected with CASR-related conditions. This variant is not present in population databases (gnomAD no frequency). This sequence change replaces cysteine, which is neutral and slightly polar, with glycine, which is neutral and non-polar, at codon 6 of the CASR protein (p.Cys6Gly).